The following is an entry in ClinVar:

ClinVar aggregate classification (germline): Pathogenic. Review status: criteria provided, multiple submitters, no conflicts (2 of 4 stars). 25 submissions from 25 submitters: Pathogenic (21). 4 of the submissions do not count toward it. Last evaluated 2026-01-21.

Conditions:
Sanfilippo syndrome. Also called: Mucopolysaccharidosis type 3; Mucopolysaccharidosis Type III; Sanfilippo disease. Identifiers: Orphanet 581, MedGen C0026706, MONDO:0018937.
SGSH-related disorder. Also called: SGSH-related condition.
Inborn genetic diseases. Identifiers: MedGen C0950123, MeSH D030342.
Mucopolysaccharidosis. Also called: Mucopolysaccharidoses. Identifiers: Orphanet 79213, MedGen C0026703, MeSH D009083, MONDO:0019249.
Mucopolysaccharidosis, MPS-III-A (MPS3A). Also called: mucopolysaccharidosis type 3A; MPS IIIA (Sanfilippo Syndrome Type A); Mucopolysaccharidosis type IIIA (Sanfilippo A); SANFILIPPO SYNDROME A; SULFAMIDASE DEFICIENCY; HEPARAN SULFATE SULFATASE DEFICIENCY. Identifiers: Orphanet 581, Orphanet 79269, MedGen C0086647, MONDO:0009655, OMIM 252900.

Allele frequency attached by ClinVar (database versions not stated): TOPMed 0.00010; gnomAD 0.00011; ExAC 0.00015.
gnomAD v4.1: 249 of 1,600,772 alleles (0.016%); highest among the groups gnomAD compares: Non-Finnish European, 0.02%; no homozygotes.

Submissions 1 to 13 of 25:

Natera, Inc.
Classification: Pathogenic for Mucopolysaccharidosis type IIIA. Last evaluated: 2026-01-21. Review status: criteria provided, single submitter. Criteria: Natera Variant Classification Schema (03/2026). Collection method: clinical testing. Allele origin: germline.
Comment: The c.197C>G variant in SGSH is a missense variant predicted to cause substitution of serine to tryptophan at amino acid 66. This variant is rare in the general population with a frequency below the threshold expected for the associated phenotype(s). This variant has been observed in one or more individuals affected with the associated recessive disease, as either homozygous or compound heterozygous with a second variant (PMID: 21061399). Computational prediction algorithms indicate this variant is likely to affect gene or protein function. Given the available evidence, this variant is classified as Pathogenic.

Labcorp Genetics (formerly Invitae), Labcorp
Classification: Pathogenic for Mucopolysaccharidosis, MPS-III-A. Last evaluated: 2025-12-22. Review status: criteria provided, single submitter. Criteria: Invitae Variant Classification Sherloc (09022015). Collection method: clinical testing. Allele origin: germline.
Comment: This sequence change replaces serine, which is neutral and polar, with tryptophan, which is neutral and slightly polar, at codon 66 of the SGSH protein (p.Ser66Trp). This variant is present in population databases (rs104894637, gnomAD 0.02%). This missense change has been observed in individual(s) with mucopolysaccharidosis type IIIA (PMID: 9158154, 9285796, 9554748, 15542396, 21061399, 22976768). It has also been observed to segregate with disease in related individuals. ClinVar contains an entry for this variant (Variation ID: 5111). Invitae Evidence Modeling of protein sequence and biophysical properties (such as structural, functional, and spatial information, amino acid conservation, physicochemical variation, residue mobility, and thermodynamic stability) indicates that this missense variant is expected to disrupt SGSH protein function with a positive predictive value of 95%. Experimental studies have shown that this missense change affects SGSH function (PMID: 10601282, 15542396). For these reasons, this variant has been classified as Pathogenic.

CeGaT Center for Human Genetics Tuebingen
Classification: Pathogenic. Last evaluated: 2025-04-01. Review status: criteria provided, single submitter. Criteria: CeGaT Center For Human Genetics Tuebingen Variant Classification Criteria Version 2. Collection method: clinical testing. Allele origin: germline. Affected: yes. Observed: 4 variant alleles.
Comment: SGSH: PM3:Very Strong, PM2, PP3, PS3:Supporting

Revvity Omics, Revvity
Classification: Pathogenic for Mucopolysaccharidosis, MPS-III-A. Last evaluated: 2024-08-27. Review status: criteria provided, single submitter. Criteria: ACMG Guidelines, 2015. Collection method: clinical testing. Allele origin: germline.

Pittsburgh Clinical Genomics Laboratory, University of Pittsburgh Medical Center
Classification: Pathogenic for Mucopolysaccharidosis, MPS-III-A. Last evaluated: 2024-03-28. Review status: criteria provided, single submitter. Criteria: ACMG Guidelines, 2015. Collection method: clinical testing. Allele origin: germline. Inheritance: Autosomal recessive inheritance. Affected: yes.
Comment: This sequence variant is a single nucleotide substitution (C>G) at position 197 of the coding sequence of the SGSH gene that results in a serine to tryptophan amino acid change at residue 66 of the N-sulfoglucosamine sulfohydrolase protein. This is a previously reported variant (ClinVar 5111) that has been commonly observed in homozygous or compound heterozygous state in individuals affected by Sanfilippo syndrome type A (PMID: 9158154, 9285796, 9554748). This variant is present in 249 of 1600772 alleles (0.01555%) in the gnomAD v4.0.0 population dataset. Multiple bioinformatic tools predict that this amino acid change would be damaging, and the Ser66 residue at this position is highly conserved across the vertebrate species examined. Functional studies indicate that the variant protein has 15% or less activity (PMID: 10601282, 15542396). Based upon the evidence, we consider this variant to be pathogenic. ACMG Criteria: PM3, PP3, PS3, PS4

Institute of Medical Genetics and Applied Genomics, University Hospital Tübingen
Classification: Pathogenic for Mucopolysaccharidosis, MPS-III-A. Last evaluated: 2024-02-09. Review status: criteria provided, single submitter. Criteria: ACMG Guidelines, 2015. Collection method: clinical testing. Allele origin: germline. Inheritance: Autosomal recessive inheritance. Affected: yes.

Blueprint Genetics
Classification: Pathogenic for SGSH-related disorders. Last evaluated: 2023-12-22. Review status: criteria provided, single submitter. Criteria: ACMG Guidelines, 2015. Collection method: clinical testing. Allele origin: germline. Affected: yes. Observed: 5 variant alleles.

Fulgent Genetics
Classification: Pathogenic for Mucopolysaccharidosis, MPS-III-A. Last evaluated: 2023-12-22. Review status: criteria provided, single submitter. Criteria: ACMG Guidelines, 2015. Collection method: clinical testing. Allele origin: germline.

MGZ Medical Genetics Center
Classification: Pathogenic for Mucopolysaccharidosis, MPS-III-A. Last evaluated: 2022-06-13. Review status: criteria provided, single submitter. Criteria: ACMG Guidelines, 2015. Collection method: clinical testing. Allele origin: germline. Affected: yes. Observed: 3 variant alleles.
Comment: ACMG criteria applied: PM3_STR, PS4_MOD, PS3_SUP, PM2_SUP, PP1, PP3

Department of Pathology and Laboratory Medicine, Sinai Health System
Classification: Pathogenic for Mucopolysaccharidosis, MPS-III-A. Last evaluated: 2022-04-05. Review status: criteria provided, single submitter. Criteria: ACMG Guidelines, 2015. Collection method: research. Allele origin: germline.

Genome-Nilou Lab
Classification: Pathogenic for Mucopolysaccharidosis, MPS-III-A. Last evaluated: 2021-11-07. Review status: criteria provided, single submitter. Criteria: ACMG Guidelines, 2015. Collection method: clinical testing. Allele origin: germline. Affected: no.

GeneDx
Classification: Pathogenic. Last evaluated: 2021-11-04. Review status: criteria provided, single submitter. Criteria: GeneDx Variant Classification Process June 2021. Collection method: clinical testing. Allele origin: germline. Affected: yes.
Comment: Published functional studies demonstrate a damaging effect with reduced protein quantity and activity (Perkins et al., 1999; Montfort et al., 2004); In silico analysis supports that this missense variant has a deleterious effect on protein structure/function; This variant is associated with the following publications: (PMID: 10521831, 25807448, 24816101, 15542396, 31980526, 9554748, 10601282, 9158154, 21228398, 29023963, 30809705, 34440436, 34349725, 31589614)

Ambry Genetics
Classification: Pathogenic for Inborn genetic diseases. Last evaluated: 2021-02-19. Review status: criteria provided, single submitter. Criteria: Ambry Variant Classification Scheme 2023. Collection method: clinical testing. Allele origin: germline.
Comment: The c.197C>G (p.S66W) alteration is located in exon 2 (coding exon 2) of the SGSH gene. This alteration results from a C to G substitution at nucleotide position 197, causing the serine (S) at amino acid position 66 to be replaced by a tryptophan (W). Based on data from the Genome Aggregation Database (gnomAD) database, the SGSH c.197C>G alteration was observed in 0.01% (23/257594) of total alleles studied, with a frequency of 0.02% (23/117902) in the European (non-Finnish) subpopulation. This mutation has been detected as heterozygous, compound heterozygous, and homozygous, in individuals with typical severe presentations of Mucopolysaccaridosis type IIIA (Sanfilippo syndrome type A) (Blanch, 1997; Di Natale, 1998; Valstar, 2010; Ouesleti, 2011; Delgadillo, 2013; Shapiro, 2016; Knottnerus, 2017; Zanetti, 2019). In addition, one functional study showed that this mutation results in a drastically reduced level of functional protein as well as lowered specific activity (Perkins, 1999). This amino acid position is highly conserved in available vertebrate species. The in silico prediction for the p.S66W alteration is inconclusive. Based on the available evidence, this alteration is classified as pathogenic.

NM_000199.5(SGSH):c.197C>G (p.Ser66Trp)

Genes: SGSH (N-sulfoglucosamine sulfohydrolase; minus strand), SLC26A11 (solute carrier family 26 member 11; plus strand). Cytogenetic location: 17q25.3.
Variant type: single nucleotide variant.
Coding change: c.197C>G on transcript NM_000199.5 (MANE Select); coding-DNA position 197, C replaced by G.
Protein change: p.Ser66Trp; replaces serine 66 with tryptophan.
Molecular consequence: missense variant. On other transcripts: non-coding transcript variant (1).
Genome position (GRCh38, 1-based): chr17:80,217,084, G>C on the plus strand (C>G on the coding strand, the complement: SGSH is on the minus strand). VCF-style: chr17-80217084-G-C. GRCh37 (hg19) VCF-style: chr17-78190883-G-C.
Other names: c.197C>G, p.Ser66Trp (NM_001352921.3, NM_001352922.2); short protein forms S66W.
Identifiers: ClinVar variation 5111 (VCV000005111.74), dbSNP rs104894637, ClinGen allele CA117261.